The following is an entry in ClinVar:

ClinVar aggregate classification (germline): Uncertain significance (1 of 4 stars; one submission).

Submission:

Labcorp Genetics (formerly Invitae), Labcorp
Classification: Uncertain significance. Last evaluated: 2024-09-24. Review status: criteria provided, single submitter. Criteria: Invitae Variant Classification Sherloc (09022015). Collection method: clinical testing. Allele origin: germline.
Comment: This sequence change replaces arginine, which is basic and polar, with lysine, which is basic and polar, at codon 594 of the VPS33B protein (p.Arg594Lys). This variant is present in population databases (rs144391886, gnomAD 0.008%). This variant has not been reported in the literature in individuals affected with VPS33B-related conditions. Invitae Evidence Modeling of protein sequence and biophysical properties (such as structural, functional, and spatial information, amino acid conservation, physicochemical variation, residue mobility, and thermodynamic stability) indicates that this missense variant is not expected to disrupt VPS33B protein function with a negative predictive value of 80%. In summary, the available evidence is currently insufficient to determine the role of this variant in disease. Therefore, it has been classified as a Variant of Uncertain Significance.

NM_018668.5(VPS33B):c.1781G>A (p.Arg594Lys)

Gene: VPS33B (VPS33B late endosome and lysosome associated; minus strand). Cytogenetic location: 15q26.1.
Variant type: single nucleotide variant.
Coding change: c.1781G>A on transcript NM_018668.5 (MANE Select); coding-DNA position 1781, G replaced by A.
Protein change: p.Arg594Lys; replaces arginine 594 with lysine.
Molecular consequence: missense variant.
Genome position (GRCh38, 1-based): chr15:90,999,048, C>T on the plus strand (G>A on the coding strand, the complement: VPS33B is on the minus strand). VCF-style: chr15-90999048-C-T. GRCh37 (hg19) VCF-style: chr15-91542278-C-T.
Other names: c.1700G>A, p.Arg567Lys (NM_001289148.1); c.1508G>A, p.Arg503Lys (NM_001289149.1); short protein forms R503K, R567K, R594K.
Identifiers: ClinVar variation 3621245 (VCV003621245.2).